The following is an entry in ClinVar:

ClinVar aggregate classification (germline): Uncertain significance (1 of 4 stars; one submission).

Allele frequency attached by ClinVar (database versions not stated): gnomAD exomes below 0.00001.
gnomAD v4.1: 1 of 1,591,596 alleles (0.000063%); highest among the groups gnomAD compares: Middle Eastern, 0.017%; no homozygotes.

Submission:

GeneDx
Classification: Uncertain significance. Last evaluated: 2022-04-15. Review status: criteria provided, single submitter. Criteria: GeneDx Variant Classification Process June 2021. Collection method: clinical testing. Allele origin: germline. Affected: yes.
Comment: Not observed at significant frequency in large population cohorts (gnomAD); In silico analysis supports that this missense variant has a deleterious effect on protein structure/function; Has not been previously published as pathogenic or benign to our knowledge

NM_182931.3(KMT2E):c.1237C>G (p.Pro413Ala)

Gene: KMT2E (lysine methyltransferase 2E (inactive); plus strand). Cytogenetic location: 7q22.3.
Variant type: single nucleotide variant.
Coding change: c.1237C>G on transcript NM_182931.3 (MANE Select); coding-DNA position 1237, C replaced by G.
Protein change: p.Pro413Ala; replaces proline 413 with alanine.
Molecular consequence: missense variant.
Genome position (GRCh38, 1-based): chr7:105,078,952, C>G. VCF-style: chr7-105078952-C-G. GRCh37 (hg19) VCF-style: chr7-104719399-C-G.
Other names: c.1237C>G, p.Pro413Ala (NM_001410908.1, NM_018682.4); short protein forms P413A.
Identifiers: ClinVar variation 1710644 (VCV001710644.2), dbSNP rs2536432587, ClinGen allele CA368780486.
Genomic context (GRCh38, chr7:105,078,952, plus strand): 5'-ATGTGTGTTGATGCAAGGACTTTTGGGAATGAGGCTCGATTCATCAGGCGGTCTTGTACA[C>G]CCAATGCAGAGGTAAGCTTATAGAAATTTTTTGGGGAGATGTGGGTGCTGGGGGTGTGTT-3'
Protein context (NP_891847.1, residues 403-423): EARFIRRSCT[Pro413Ala]NAEVRHEIQD